The following is an entry in ClinVar:

ClinVar aggregate classification (germline): Uncertain significance. Review status: criteria provided, multiple submitters, no conflicts (2 of 4 stars). 2 submissions from 2 submitters: Uncertain significance (2). Last evaluated 2024-01-22.

Conditions:
Xanthinuria type II. Also called: Xanthine dehydrogenase and aldehyde oxidase combined deficiency of; XDH and AOX dual deficiency. Identifiers: Orphanet 3467, Orphanet 93602, MedGen C1863688, MONDO:0011346, OMIM 603592.
Hereditary xanthinuria type 1 (XAN1). Identifiers: Orphanet 3467, Orphanet 93601, MedGen C0268118, MONDO:0010209, OMIM 278300.

Allele frequency attached by ClinVar (database versions not stated): ExAC 0.00002; gnomAD exomes 0.00002 and 0.00003; TOPMed 0.00002; gnomAD 0.00003 and 0.00005; ESP Exome Variant Server 0.00008; 1000 Genomes Project 30x 0.00031; 1000 Genomes Project 0.00040.
gnomAD v4.1: 42 of 1,614,248 alleles (0.0026%); highest among the groups gnomAD compares: Admixed American, 0.013%; no homozygotes.

Submissions (2):

Fulgent Genetics
Classification: Uncertain significance for Hereditary xanthinuria type 1. Last evaluated: 2024-01-22. Review status: criteria provided, single submitter. Criteria: ACMG Guidelines, 2015. Collection method: clinical testing. Allele origin: germline.

Labcorp Genetics (formerly Invitae), Labcorp
Classification: Uncertain significance for Xanthinuria type II. Last evaluated: 2022-06-13. Review status: criteria provided, single submitter. Criteria: Invitae Variant Classification Sherloc (09022015). Collection method: clinical testing. Allele origin: germline.
Comment: This sequence change replaces glutamic acid, which is acidic and polar, with lysine, which is basic and polar, at codon 757 of the XDH protein (p.Glu757Lys). This variant is present in population databases (rs370126462, gnomAD 0.006%). This variant has not been reported in the literature in individuals affected with XDH-related conditions. Algorithms developed to predict the effect of missense changes on protein structure and function are either unavailable or do not agree on the potential impact of this missense change (SIFT: "Deleterious"; PolyPhen-2: "Probably Damaging"; Align-GVGD: "Class C15"). In summary, the available evidence is currently insufficient to determine the role of this variant in disease. Therefore, it has been classified as a Variant of Uncertain Significance.

NM_000379.4(XDH):c.2269G>A (p.Glu757Lys)

Gene: XDH (xanthine dehydrogenase; minus strand). Cytogenetic location: 2p23.1.
Variant type: single nucleotide variant.
Coding change: c.2269G>A on transcript NM_000379.4 (MANE Select); coding-DNA position 2269, G replaced by A.
Protein change: p.Glu757Lys; replaces glutamic acid 757 with lysine.
Molecular consequence: missense variant.
Genome position (GRCh38, 1-based): chr2:31,366,923, C>T on the plus strand (G>A on the coding strand, the complement: XDH is on the minus strand). VCF-style: chr2-31366923-C-T. GRCh37 (hg19) VCF-style: chr2-31589789-C-T.
Other names: short protein forms E757K.
Identifiers: ClinVar variation 1376895 (VCV001376895.4), dbSNP rs370126462, ClinGen allele CA1598891.